The following is an entry in ClinVar:

NM_016169.4(SUFU):c.1400A>G (p.Lys467Arg)

Gene: SUFU (SUFU negative regulator of hedgehog signaling; plus strand). Cytogenetic location: 10q24.32.
Variant type: single nucleotide variant.
Coding change: c.1400A>G on transcript NM_016169.4 (MANE Select); coding-DNA position 1400, A replaced by G.
Protein change: p.Lys467Arg; replaces lysine 467 with arginine.
Molecular consequence: missense variant.
Genome position (GRCh38, 1-based): chr10:102,630,100, A>G. VCF-style: chr10-102630100-A-G. GRCh37 (hg19) VCF-style: chr10-104389857-A-G.
Other names: short protein forms K467R.
Identifiers: ClinVar variation 4865237 (VCV004865237.1).

ClinVar aggregate classification (germline): Uncertain significance (1 of 4 stars; one submission).

Conditions:
Hereditary cancer-predisposing syndrome. Also called: Neoplastic Syndromes, Hereditary; Tumor predisposition; Hereditary Cancer Syndrome; Hereditary neoplastic syndrome. Identifiers: Orphanet 140162, MedGen C0027672, MeSH D009386, MONDO:0015356.

Submission:

Ambry Genetics
Classification: Uncertain significance for Hereditary cancer-predisposing syndrome. Last evaluated: 2026-03-15. Review status: criteria provided, single submitter. Criteria: Ambry Variant Classification Scheme 2023. Collection method: clinical testing. Allele origin: germline.
Comment: The p.K467R variant (also known as c.1400A>G), located in coding exon 12 of the SUFU gene, results from an A to G substitution at nucleotide position 1400. The lysine at codon 467 is replaced by arginine, an amino acid with highly similar properties. This amino acid position is conserved. In addition, this alteration is predicted to be tolerated by in silico analysis. Based on the available evidence, the clinical significance of this variant remains unclear.